The following is an entry in ClinVar:

ClinVar aggregate classification (germline): Benign/Likely benign. Review status: criteria provided, multiple submitters, no conflicts (2 of 4 stars). 3 submissions from 3 submitters: Benign (1); Likely benign (1). 1 of the submissions does not count toward it. Last evaluated 2024-11-11.

Conditions:
OGT-related disorder. Also called: OGT-related condition.

Allele frequency attached by ClinVar (database versions not stated): gnomAD 0.00005; TOPMed 0.00008; ESP Exome Variant Server 0.00009; ExAC 0.00010; gnomAD exomes 0.00011 and 0.00018.
gnomAD v4.1: 206 of 1,198,061 alleles (0.017%); highest among the groups gnomAD compares: Admixed American, 0.044%; no homozygotes.

Submissions (3):

Labcorp Genetics (formerly Invitae), Labcorp
Classification: Benign. Last evaluated: 2024-11-11. Review status: criteria provided, single submitter. Criteria: Invitae Variant Classification Sherloc (09022015). Collection method: clinical testing. Allele origin: germline.

CeGaT Center for Human Genetics Tuebingen
Classification: Likely benign. Last evaluated: 2023-07-01. Review status: criteria provided, single submitter. Criteria: CeGaT Center For Human Genetics Tuebingen Variant Classification Criteria Version 2. Collection method: clinical testing. Allele origin: germline. Affected: yes. Observed: 1 variant allele.
Comment: OGT: BP4, BP7, BS2

PreventionGenetics, part of Exact Sciences
Classification: Likely benign for OGT-related condition. Last evaluated: 2019-09-05. Review status: no assertion criteria provided. Collection method: clinical testing. Allele origin: germline. Not counted in ClinVar's aggregate classification.
Comment: This variant is classified as likely benign based on ACMG/AMP sequence variant interpretation guidelines (Richards et al. 2015 PMID: 25741868, with internal and published modifications).

NM_181672.3(OGT):c.2652T>G (p.Pro884=)

Gene: OGT (O-linked N-acetylglucosamine (GlcNAc) transferase; plus strand). Cytogenetic location: Xq13.1.
Variant type: single nucleotide variant.
Coding change: c.2652T>G on transcript NM_181672.3 (MANE Select); coding-DNA position 2652, T replaced by G.
Protein change: p.Pro884=; no amino-acid change (proline 884 retained).
Molecular consequence: synonymous variant.
Genome position (GRCh38, 1-based): chrX:71,567,562, T>G. VCF-style: chrX-71567562-T-G. GRCh37 (hg19) VCF-style: chrX-70787412-T-G.
Other names: c.2622T>G, p.Pro874= (NM_181673.3); c.2652T>G (NM_181672.2).
Identifiers: ClinVar variation 1601086 (VCV001601086.34), dbSNP rs369125723, ClinGen allele CA10447811.